The following is an entry in ClinVar:

ClinVar aggregate classification (germline): Uncertain significance. Review status: criteria provided, multiple submitters, no conflicts (2 of 4 stars). 2 submissions from 2 submitters: Uncertain significance (2). Last evaluated 2024-11-11.

Conditions:
Cardiovascular phenotype. Identifiers: MedGen CN230736.

gnomAD v4.1: 1 of 1,550,132 alleles (0.000065%); highest among the groups gnomAD compares: Non-Finnish European, 0.000087%; no homozygotes.

Submissions (2):

Ambry Genetics
Classification: Uncertain significance for Cardiovascular phenotype. Last evaluated: 2024-11-11. Review status: criteria provided, single submitter. Criteria: Ambry Variant Classification Scheme 2023. Collection method: clinical testing. Allele origin: germline.

GeneDx
Classification: Uncertain significance. Last evaluated: 2024-07-16. Review status: criteria provided, single submitter. Criteria: GeneDx Variant Classification Process June 2021. Collection method: clinical testing. Allele origin: germline. Affected: yes.
Comment: Not observed at significant frequency in large population cohorts (gnomAD); In silico analysis indicates that this missense variant does not alter protein structure/function; Has not been previously published as pathogenic or benign to our knowledge

NM_001367624.2(ZNF469):c.6503G>C (p.Cys2168Ser)

Gene: ZNF469 (zinc finger protein 469; plus strand). Cytogenetic location: 16q24.2.
Variant type: single nucleotide variant.
Coding change: c.6503G>C on transcript NM_001367624.2 (MANE Select); coding-DNA position 6503, G replaced by C.
Protein change: p.Cys2168Ser; replaces cysteine 2168 with serine.
Molecular consequence: missense variant.
Genome position (GRCh38, 1-based): chr16:88,433,973, G>C. VCF-style: chr16-88433973-G-C. GRCh37 (hg19) VCF-style: chr16-88500381-G-C.
Other names: NM_001127464.1:c.6419G>C; short protein forms C2168S.
Identifiers: ClinVar variation 3476330 (VCV003476330.2).
Genomic context (GRCh38, chr16:88,433,973, plus strand): 5'-GGCAGCTGCCAGCATCTCCGTCCTGCAGGGACCCTCCCGGCCCCCAGCAGCTGCTGGCCT[G>C]TTCTCCTGCCTGGGCACCTCTGGAAGAGGCAGATGGCGTCCAAGCCACGACAGATACTGG-3'
Protein context (NP_001354553.1, residues 2158-2178): DPPGPQQLLA[Cys2168Ser]SPAWAPLEEA